The following is an entry in ClinVar:

NM_015144.3(ZCCHC14):c.2204A>G (p.His735Arg)

Gene: ZCCHC14 (zinc finger CCHC-type containing 14; minus strand). Cytogenetic location: 16q24.2.
Variant type: single nucleotide variant.
Coding change: c.2204A>G on transcript NM_015144.3 (MANE Select); coding-DNA position 2204, A replaced by G.
Protein change: p.His735Arg; replaces histidine 735 with arginine.
Molecular consequence: missense variant.
Genome position (GRCh38, 1-based): chr16:87,412,517, T>C on the plus strand (A>G on the coding strand, the complement: ZCCHC14 is on the minus strand). VCF-style: chr16-87412517-T-C. GRCh37 (hg19) VCF-style: chr16-87446123-T-C.
Other names: short protein forms H735R.
Identifiers: ClinVar variation 2385587 (VCV002385587.3), dbSNP rs200069943, ClinGen allele CA8219904.

ClinVar aggregate classification (germline): Uncertain significance (1 of 4 stars; one submission).

Allele frequency attached by ClinVar (database versions not stated): TOPMed 0.00048; gnomAD exomes 0.00007; ExAC 0.00002; gnomAD 0.00015.
gnomAD v4.1: 75 of 1,613,940 alleles (0.0046%); highest among the groups gnomAD compares: Admixed American, 0.095%; 1 homozygote.

Submission:

Ambry Genetics
Classification: Uncertain significance. Last evaluated: 2026-09-02. Review status: criteria provided, single submitter. Criteria: Ambry Variant Classification Scheme 2023. Collection method: clinical testing. Allele origin: germline.
Comment: The c.1793A>G (p.H598R) alteration is located in exon 12 (coding exon 12) of the ZCCHC14 gene. This alteration results from a A to G substitution at nucleotide position 1793, causing the histidine (H) at amino acid position 598 to be replaced by an arginine (R). Based on data from gnomAD, the G allele has an overall frequency of 0.008% (23/281600) total alleles studied. The highest observed frequency was 0.062% (22/35418) of Latino alleles. Based on insufficient or conflicting evidence, the clinical significance of this alteration remains unclear.